The following is an entry in ClinVar:

NM_000492.4(CFTR):c.1606A>G (p.Lys536Glu)

Genes: CFTR (CF transmembrane conductance regulator; plus strand), LOC111674475 (CFTR intron 11 enhancer; plus strand). Cytogenetic location: 7q31.2.
Variant type: single nucleotide variant.
Coding change: c.1606A>G on transcript NM_000492.4 (MANE Select); coding-DNA position 1606, A replaced by G.
Protein change: p.Lys536Glu; replaces lysine 536 with glutamic acid.
Molecular consequence: missense variant.
Genome position (GRCh38, 1-based): chr7:117,587,760, A>G. VCF-style: chr7-117587760-A-G. GRCh37 (hg19) VCF-style: chr7-117227814-A-G.
Other names: short protein forms K536E.
Identifiers: ClinVar variation 595238 (VCV000595238.32), dbSNP rs148173473, ClinGen allele CA4451044.

ClinVar aggregate classification (germline): Uncertain significance. Review status: criteria provided, multiple submitters, no conflicts (2 of 4 stars). 13 submissions from 13 submitters: Uncertain significance (11). 2 of the submissions do not count toward it. Last evaluated 2026-01-31.

Conditions:
CFTR-related disorder (CFTR-RD). Also called: CFTR-related disorders; CFTR-related condition. Identifiers: MedGen C5924204, MONDO:7770004.
Cystic fibrosis (CF). Also called: MUCOVISCIDOSIS. Identifiers: Orphanet 586, MedGen C0010674, MONDO:0009061, OMIM 219700. Disease mechanism: loss of function.

Allele frequency attached by ClinVar (database versions not stated): gnomAD 0.00001; ExAC 0.00007; gnomAD exomes 0.00008 and 0.00002; TOPMed 0.00002.
gnomAD v4.1: 28 of 1,610,426 alleles (0.0017%); highest among the groups gnomAD compares: Admixed American, 0.047%; no homozygotes.

Submissions (13):

GeneDx
Classification: Uncertain significance. Last evaluated: 2026-01-31. Review status: criteria provided, single submitter. Criteria: GeneDx Variant Classification Process June 2021. Collection method: clinical testing. Allele origin: germline.
Comment: Reported as a heterozygous variant in an infant with a positive newborn screen and elevated sweat chloride test in the published literature; however, a second variant in CFTR was not reported (PMID: 28992757); In silico analysis suggests that this missense variant does not alter protein structure/function; This variant is associated with the following publications: (PMID: 28992757, 25735457, 33572515, 30600261, 34057205)

Women's Health and Genetics/Laboratory Corporation of America, LabCorp
Classification: Uncertain significance. Last evaluated: 2026-01-19. Review status: criteria provided, single submitter. Criteria: LabCorp Variant Classification Summary - May 2015. Collection method: clinical testing. Allele origin: germline.
Comment: Variant summary: CFTR c.1606A>G (p.Lys536Glu) results in a conservative amino acid change located in the ABC transporter-like, ATP-binding domain of the encoded protein sequence. Algorithms developed to predict the effect of missense changes on protein structure and function are either unavailable or do not agree on the potential impact of this missense change. The variant allele was found at a frequency of 8e-05 in 250922 control chromosomes. This frequency is not significantly higher than estimated for disease-causing variants in CFTR, allowing no conclusion about variant significance. 1606A>G has been reported in the literature a patient with a positive sweat test without a second mutation detected (Ibarra-Gonzalez_2017), and during a newborn screening program, without strong evidence for causality (Bozdogan_2021). These reports do not provide unequivocal conclusions about association of the variant with Cystic Fibrosis. To our knowledge, no experimental evidence demonstrating an impact on protein function has been reported. The following publications have been ascertained in the context of this evaluation (PMID: 33572515, 28992757, 25735457). ClinVar contains an entry for this variant (Variation ID: 595238). Based on the evidence outlined above, the variant was classified as uncertain significance.

ARUP Laboratories, Molecular Genetics and Genomics, ARUP Laboratories
Classification: Uncertain significance. Last evaluated: 2025-01-10. Review status: criteria provided, single submitter. Criteria: ARUP Molecular Germline Variant Investigation Process 2024. Collection method: clinical testing. Allele origin: germline.
Comment: The CFTR c.1606A>G; p.Lys536Glu variant (rs148173473) has been identified in newborn screening programs, and is reported in a newborn with a positive sweat chloride test with no second CFTR variant identified (Bozdogan 2021, Ibarra-Gonzalez 2018). This variant is also reported in ClinVar (Variation ID: 595238). It is observed in the Admixed American population with an allele frequency of 0.06% (21/35302 alleles) in the Genome Aggregation Database (v2.1.1). Computational analyses are uncertain whether this variant is neutral or deleterious (REVEL: 0.689). Due to limited information, the clinical significance of this variant is uncertain at this time. References: Bozdogan ST et al. Current Status of Genetic Diagnosis Laboratories and Frequency of Genetic Variants Associated with Cystic Fibrosis through a Newborn-Screening Program in Turkey. Genes (Basel). 2021 Jan 31;12(2):206. PMID: 33572515. Ibarra-Gonzalez I et al. Newborn cystic fibrosis screening in southeastern Mexico: Birth prevalence and novel CFTR gene variants. J Med Screen. 2018 Sep;25(3):119-125. PMID: 28992757.

Johns Hopkins Genomics, Johns Hopkins University
Classification: Uncertain significance for Cystic fibrosis. Last evaluated: 2024-10-15. Review status: criteria provided, single submitter. Criteria: ACMG Guidelines, 2015. Collection method: clinical testing. Allele origin: germline.
Comment: It (rs148173473) is rare (<0.1%) in a large population dataset (gnomAD: 28/1610426 total alleles; 0.002%; no homozygotes) and has been reported in ClinVar (Variation ID: 595238). BayPR, an algorithm developed and validated by the CFTR2 project that uses population data to assign disease liability to variants, predicts that this variant is not likely to be CF-causing (0% probability of being CF-causing). Of three bioinformatics tools queried, two predict that the substitution would possibly be damaging while one predicts that it would be tolerated. The lysine residue at this position is evolutionarily conserved across most of the species assessed. We consider the clinical significance of CFTR c.1606A>G to be uncertain at this time.

Ambry Genetics
Classification: Uncertain significance for Cystic fibrosis. Last evaluated: 2023-10-10. Review status: criteria provided, single submitter. Criteria: Ambry Variant Classification Scheme 2023. Collection method: clinical testing. Allele origin: germline.
Comment: The p.K536E variant (also known as c.1606A>G), located in coding exon 12 of the CFTR gene, results from an A to G substitution at nucleotide position 1606. The lysine at codon 536 is replaced by glutamic acid, an amino acid with similar properties. This amino acid position is well conserved in available vertebrate species. In addition, the in silico prediction for this alteration is inconclusive. Since supporting evidence is limited at this time, the clinical significance of this alteration remains unclear.

Quest Diagnostics Nichols Institute San Juan Capistrano
Classification: Uncertain significance. Last evaluated: 2023-07-03. Review status: criteria provided, single submitter. Criteria: Quest Diagnostics criteria. Collection method: clinical testing. Allele origin: unknown.
Comment: The CFTR c.1606A>G (p.Lys536Glu) variant has been reported in the published literature in an individual with cystic fibrosis (PMID: 28992757 (2018)) and in a newborn screening study (PMID: 33572515 (2021)). The frequency of this variant in the general population, 0.00059 (21/35302 chromosomes (Genome Aggregation Database)), is uninformative in the assessment of its pathogenicity. Analysis of this variant using bioinformatics tools for the prediction of the effect of amino acid changes on protein structure and function yielded predictions that this variant is damaging. Based on the available information, we are unable to determine the clinical significance of this variant.

Mayo Clinic Laboratories, Mayo Clinic
Classification: Uncertain significance. Last evaluated: 2023-01-16. Review status: criteria provided, single submitter. Criteria: ACMG Guidelines, 2015. Collection method: clinical testing. Allele origin: germline. Observed: 2 variant alleles.

Labcorp Genetics (formerly Invitae), Labcorp
Classification: Uncertain significance for Cystic fibrosis. Last evaluated: 2022-08-03. Review status: criteria provided, single submitter. Criteria: Invitae Variant Classification Sherloc (09022015). Collection method: clinical testing. Allele origin: germline.
Comment: This sequence change replaces lysine, which is basic and polar, with glutamic acid, which is acidic and polar, at codon 536 of the CFTR protein (p.Lys536Glu). The frequency data for this variant in the population databases is considered unreliable, as metrics indicate poor data quality at this position in the gnomAD database. This missense change has been observed in individual(s) with cystic fibrosis (PMID: 28992757). ClinVar contains an entry for this variant (Variation ID: 595238). Algorithms developed to predict the effect of missense changes on protein structure and function (SIFT, PolyPhen-2, Align-GVGD) all suggest that this variant is likely to be tolerated. In summary, the available evidence is currently insufficient to determine the role of this variant in disease. Therefore, it has been classified as a Variant of Uncertain Significance.

Revvity Omics, Revvity
Classification: Uncertain significance. Last evaluated: 2022-04-22. Review status: criteria provided, single submitter. Criteria: ACMG Guidelines, 2015. Collection method: clinical testing. Allele origin: germline.

Genome-Nilou Lab
Classification: Uncertain significance for Cystic fibrosis. Last evaluated: 2021-09-05. Review status: criteria provided, single submitter. Criteria: ACMG Guidelines, 2015. Collection method: clinical testing. Allele origin: germline. Affected: no.

Eurofins Ntd Llc (ga)
Classification: Uncertain significance. Last evaluated: 2017-12-05. Review status: criteria provided, single submitter. Criteria: EGL Classification Definitions 2015. Collection method: clinical testing. Allele origin: germline. Observed: 1 variant allele, 1 heterozygote.

PreventionGenetics, part of Exact Sciences
Classification: Uncertain significance for CFTR-related condition. Last evaluated: 2024-06-26. Review status: no assertion criteria provided. Collection method: clinical testing. Allele origin: germline. Not counted in ClinVar's aggregate classification.
Comment: The CFTR c.1606A>G variant is predicted to result in the amino acid substitution p.Lys536Glu. This variant has been reported in an individual with a positive sweat test without an identified second mutation (Ibarra-González et al 2018. PubMed ID: 28992757) and in an individual identified through newborn screening (Bozdogan ST et al 2021. PubMed ID: 33572515). This variant is reported in 0.059% of alleles in individuals of Latino descent in gnomAD and is interpreted as uncertain in ClinVar. At this time, the clinical significance of this variant is uncertain due to the absence of conclusive functional and genetic evidence.

Natera, Inc.
Classification: Uncertain significance for CFTR-related disorders. Last evaluated: 2017-08-09. Review status: no assertion criteria provided. Collection method: clinical testing. Allele origin: germline. Not counted in ClinVar's aggregate classification.

Literature cited by the submitters: PubMed 25735457 (cited by Women's Health and Genetics/Laboratory Corporation of America, LabCorp); PubMed 28992757 (cited by 5 submitters); PubMed 33572515 (cited by 4 submitters); PubMed 30600261 (cited by Johns Hopkins Genomics, Johns Hopkins University); PubMed 34057205 (cited by Johns Hopkins Genomics, Johns Hopkins University and Mayo Clinic Laboratories, Mayo Clinic).